The following is an entry in ClinVar:

ClinVar aggregate classification (germline): Likely pathogenic (1 of 4 stars; one submission).

Conditions:
Neurodevelopmental disorder with or without anomalies of the brain, eye, or heart (NEDBEH). Identifiers: Orphanet 494344, MedGen C5567477, MONDO:0014857, OMIM 616975.

Submission:

Kasturba Medical College, Manipal, Kasturba Medical College, Manipal, Manipal Academy of Higher Education, Manipal, India
Classification: Likely pathogenic for Neurodevelopmental disorder with or without anomalies of the brain, eye, or heart. Review status: criteria provided, single submitter. Criteria: ACMG Guidelines, 2015. Collection method: research. Allele origin: de novo. Inheritance: Autosomal dominant inheritance. Affected: yes. Observed: 1 heterozygote.
Comment: This variant is absent in heterozygous and homozygous state in population database gnomAD and our in-house database of 3031 exomes. In silico prediction tools (CADD_Phred, MutationTaster, ClinPred) are consistent in predicting the variant to be damaging to the protein function. Thus, the above-mentioned variant in heterozygous de novo state is interpreted to be the possible cause for the condition observed in him.

NM_001042681.2(RERE):c.2927C>T (p.Ser976Phe)

Gene: RERE (arginine-glutamic acid dipeptide repeats; minus strand). Cytogenetic location: 1p36.23.
Variant type: single nucleotide variant.
Coding change: c.2927C>T on transcript NM_001042681.2 (MANE Select); coding-DNA position 2927, C replaced by T.
Protein change: p.Ser976Phe; replaces serine 976 with phenylalanine.
Molecular consequence: missense variant.
Genome position (GRCh38, 1-based): chr1:8,360,580, G>A on the plus strand (C>T on the coding strand, the complement: RERE is on the minus strand). VCF-style: chr1-8360580-G-A. GRCh37 (hg19) VCF-style: chr1-8420640-G-A.
Other names: c.1265C>T, p.Ser422Phe (NM_001042682.2); c.2927C>T, p.Ser976Phe (NM_012102.4); short protein forms S422F, S976F.
Identifiers: ClinVar variation 3774317 (VCV003774317.2).
Genomic context (GRCh38, chr1:8,360,580, plus strand): 5'-GGCTGGCTCTGAGGCATGAGTTGCAGGGGTGGGGGGTGAGCCGACGGGGGGTGATGTGTG[G>A]ACAGGGAGCTCAGGGGCTTCAGGGCTGGAGGGGGAGGCAGGTTGGCATTCATGGAGAAGG-3'
Protein context (NP_001036146.1, residues 966-986): PPALKPLSSL[Ser976Phe]THHPPSAHPP